The following is an entry in ClinVar:

ClinVar aggregate classification (germline): Pathogenic (1 of 4 stars; one submission).

Conditions:
Tuberous sclerosis 2 (TSC2). Identifiers: Orphanet 805, MedGen C1860707, MONDO:0013199, OMIM 613254.

Submission:

Institute of Human Genetics, University of Leipzig Medical Center
Classification: Pathogenic for Tuberous sclerosis 2. Last evaluated: 2025-05-26. Review status: criteria provided, single submitter. Criteria: ACMG Guidelines, 2015. Collection method: clinical testing. Allele origin: unknown. Inheritance: Autosomal dominant inheritance. Affected: yes.
Comment: Criteria applied: PVS1,PM2

NM_000548.5(TSC2):c.3751_3756delinsTGTCGGCTGC (p.Lys1251fs)

Gene: TSC2 (TSC complex subunit 2; plus strand). Cytogenetic location: 16p13.3.
Variant type: Indel.
Coding change: c.3751_3756delinsTGTCGGCTGC on transcript NM_000548.5 (MANE Select); coding-DNA positions 3751 to 3756, AAGTCA replaced by TGTCGGCTGC.
Protein change: p.Lys1251fs; shifts the reading frame from lysine 1251.
Molecular consequence: frameshift variant. On other transcripts: non-coding transcript variant (5).
Genome position (GRCh38, 1-based): chr16:2,081,735-2,081,740, AAGTCA replaced by TGTCGGCTGC. VCF-style: chr16-2081735-AAGTCA-TGTCGGCTGC. GRCh37 (hg19) VCF-style: chr16-2131736-AAGTCA-TGTCGGCTGC.
Other names: c.3619_3624delinsTGTCGGCTGC, p.Lys1207fs (NM_001077183.3, NM_001370404.1, NM_001406665.1); c.3751_3756delinsTGTCGGCTGC, p.Lys1251fs (NM_001114382.3); c.3511_3516delinsTGTCGGCTGC, p.Lys1171fs (NM_001318827.2); c.3475_3480delinsTGTCGGCTGC, p.Lys1159fs (NM_001318829.2); c.3019_3024delinsTGTCGGCTGC, p.Lys1007fs (NM_001318831.2, NM_001406687.1, NM_001406688.1); c.3652_3657delinsTGTCGGCTGC, p.Lys1218fs (NM_001318832.2); c.3622_3627delinsTGTCGGCTGC, p.Lys1208fs (NM_001363528.2, NM_001370405.1, NM_021055.3); c.3748_3753delinsTGTCGGCTGC, p.Lys1250fs (NM_001406663.1, NM_001406664.1); and 18 more; short protein forms K1007fs, K1008fs, K1050fs, K1051fs, K1054fs, K1158fs, K1159fs, K1170fs.
Identifiers: ClinVar variation 3901194 (VCV003901194.1).
Genomic context (GRCh38, chr16:2,081,735, plus strand): 5'-CTGTCTAACGCCCTCATGGCGGCTGAGCGCTTCAAGGAGCACCGGGACACAGCCCTGTAC[AAGTCA>TGTCGGCTGC]CTGTCGGTGCCGGCAGCCAGCACGGCCAAACCCCCTCCTCTGCCTCGCTCCAACACAGGT-3'